The following is an entry in ClinVar:

ClinVar aggregate classification (germline): Likely benign. Review status: criteria provided, multiple submitters, no conflicts (2 of 4 stars). 3 submissions from 3 submitters: Likely benign (3). Last evaluated 2024-11-01.

Conditions:
Hereditary cancer-predisposing syndrome. Also called: Neoplastic Syndromes, Hereditary; Hereditary neoplastic syndrome; Tumor predisposition; Hereditary Cancer Syndrome. Identifiers: Orphanet 140162, MedGen C0027672, MeSH D009386, MONDO:0015356.
Fanconi anemia (FA). Also called: Fanconi's anemia. Identifiers: Orphanet 84, MedGen C0015625, MeSH D005199, MONDO:0019391.

Allele frequency attached by ClinVar (database versions not stated): gnomAD 0.00001; gnomAD exomes 0.00001; TOPMed 0.00001.
gnomAD v4.1: 7 of 1,614,020 alleles (0.00043%); highest among the groups gnomAD compares: African/African-American, 0.008%; no homozygotes.

Submissions (3):

CeGaT Center for Human Genetics Tuebingen
Classification: Likely benign. Last evaluated: 2024-11-01. Review status: criteria provided, single submitter. Criteria: CeGaT Center For Human Genetics Tuebingen Variant Classification Criteria Version 2. Collection method: clinical testing. Allele origin: germline. Affected: yes. Observed: 1 variant allele.
Comment: FANCC: BP4, BP7

Labcorp Genetics (formerly Invitae), Labcorp
Classification: Likely benign for Fanconi anemia. Last evaluated: 2024-01-29. Review status: criteria provided, single submitter. Criteria: Invitae Variant Classification Sherloc (09022015). Collection method: clinical testing. Allele origin: germline.

Ambry Genetics
Classification: Likely benign for Hereditary cancer-predisposing syndrome. Last evaluated: 2020-08-17. Review status: criteria provided, single submitter. Criteria: Ambry Variant Classification Scheme 2023. Collection method: clinical testing. Allele origin: germline.

NM_000136.3(FANCC):c.1588T>C (p.Leu530=)

Genes: AOPEP (aminopeptidase O (putative); plus strand), FANCC (FA complementation group C; minus strand). Cytogenetic location: 9q22.32.
Variant type: single nucleotide variant.
Coding change: c.1588T>C on transcript NM_000136.3 (MANE Select); coding-DNA position 1588, T replaced by C.
Protein change: p.Leu530=; no amino-acid change (leucine 530 retained).
Molecular consequence: synonymous variant.
Genome position (GRCh38, 1-based): chr9:95,101,796, A>G on the plus strand (T>C on the coding strand, the complement: FANCC is on the minus strand). VCF-style: chr9-95101796-A-G. GRCh37 (hg19) VCF-style: chr9-97864078-A-G.
Other names: c.1588T>C, p.Leu530= (NM_001243743.2).
Identifiers: ClinVar variation 1603612 (VCV001603612.24), dbSNP rs988780618, ClinGen allele CA196536766.